The following is an entry in ClinVar:

ClinVar aggregate classification (germline): Pathogenic (1 of 4 stars; one submission).

gnomAD v4.1: 2 of 1,606,658 alleles (0.00012%); highest among the groups gnomAD compares: Non-Finnish European, 0.00017%; no homozygotes.

Submission:

Labcorp Genetics (formerly Invitae), Labcorp
Classification: Pathogenic. Last evaluated: 2025-09-18. Review status: criteria provided, single submitter. Criteria: Invitae Variant Classification Sherloc (09022015). Collection method: clinical testing. Allele origin: germline.
Comment: This sequence change creates a premature translational stop signal (p.Gln1711*) in the POLE gene. It is expected to result in an absent or disrupted protein product. Loss-of-function variants in POLE are known to be pathogenic (PMID: 23230001, 25948378, 30503519). This variant is not present in population databases (gnomAD no frequency). This variant has not been reported in the literature in individuals affected with POLE-related conditions. ClinVar contains an entry for this variant (Variation ID: 3709912). For these reasons, this variant has been classified as Pathogenic.

Literature cited by the submitters: PubMed 23230001; PubMed 25948378; PubMed 30503519.

NM_006231.4(POLE):c.5131C>T (p.Gln1711Ter)

Gene: POLE (DNA polymerase epsilon, catalytic subunit; minus strand). Cytogenetic location: 12q24.33.
Variant type: single nucleotide variant.
Coding change: c.5131C>T on transcript NM_006231.4 (MANE Select); coding-DNA position 5131, C replaced by T.
Protein change: p.Gln1711Ter; replaces glutamine 1711 with a stop codon.
Molecular consequence: nonsense.
Genome position (GRCh38, 1-based): chr12:132,642,219, G>A on the plus strand (C>T on the coding strand, the complement: POLE is on the minus strand). VCF-style: chr12-132642219-G-A. GRCh37 (hg19) VCF-style: chr12-133218805-G-A.
Other names: short protein forms Q1711*.
Identifiers: ClinVar variation 3709912 (VCV003709912.2).